The following is an entry in ClinVar:

NM_001164508.2(NEB):c.9568G>T (p.Asp3190Tyr)

Gene: NEB (nebulin; minus strand). Cytogenetic location: 2q23.3.
Variant type: single nucleotide variant.
Coding change: c.9568G>T on transcript NM_001164508.2 (MANE Select); coding-DNA position 9568, G replaced by T.
Protein change: p.Asp3190Tyr; replaces aspartic acid 3190 with tyrosine.
Molecular consequence: missense variant. On other transcripts: intron variant (1).
Genome position (GRCh38, 1-based): chr2:151,631,193, C>A on the plus strand (G>T on the coding strand, the complement: NEB is on the minus strand). VCF-style: chr2-151631193-C-A. GRCh37 (hg19) VCF-style: chr2-152487707-C-A.
Other names: c.9568G>T, p.Asp3190Tyr (NM_001164507.2, NM_001271208.2); c.8854-15G>T (NM_004543.5); short protein forms D3190Y.
Identifiers: ClinVar variation 945739 (VCV000945739.9), dbSNP rs781238222, ClinGen allele CA1909277.

ClinVar aggregate classification (germline): Uncertain significance. Review status: criteria provided, multiple submitters, no conflicts (2 of 4 stars). 3 submissions from 3 submitters: Uncertain significance (2). 1 of the submissions does not count toward it. Last evaluated 2022-08-09.

Conditions:
Nemaline myopathy 2 (NEM2). Also called: Nemaline myopathy 2, autosomal recessive. Identifiers: MedGen C1850569, MONDO:0009725, OMIM 256030.

Allele frequency attached by ClinVar (database versions not stated): TOPMed below 0.00001; gnomAD 0.00001; gnomAD exomes 0.00001; ExAC 0.00002.
gnomAD v4.1: 13 of 1,613,810 alleles (0.00081%); highest among the groups gnomAD compares: Middle Eastern, 0.033%; no homozygotes.

Submissions (3):

Labcorp Genetics (formerly Invitae), Labcorp
Classification: Uncertain significance for Nemaline myopathy 2. Last evaluated: 2022-08-09. Review status: criteria provided, single submitter. Criteria: Invitae Variant Classification Sherloc (09022015). Collection method: clinical testing. Allele origin: germline.
Comment: This sequence change replaces aspartic acid, which is acidic and polar, with tyrosine, which is neutral and polar, at codon 3190 of the NEB protein (p.Asp3190Tyr). This variant is present in population databases (rs781238222, gnomAD 0.002%). This variant has not been reported in the literature in individuals affected with NEB-related conditions. ClinVar contains an entry for this variant (Variation ID: 945739). Algorithms developed to predict the effect of missense changes on protein structure and function are either unavailable or do not agree on the potential impact of this missense change (SIFT: "Deleterious"; PolyPhen-2: "Not Available"; Align-GVGD: "Class C0"). In summary, the available evidence is currently insufficient to determine the role of this variant in disease. Therefore, it has been classified as a Variant of Uncertain Significance.

Breakthrough Genomics
Classification: Uncertain significance. Review status: criteria provided, single submitter. Criteria: ACMG Guidelines, 2015. Collection method: not provided. Allele origin: germline. Inheritance: Autosomal recessive inheritance. Affected: yes.

Natera, Inc.
Classification: Uncertain significance for Nemaline myopathy type 2. Last evaluated: 2020-02-28. Review status: no assertion criteria provided. Collection method: clinical testing. Allele origin: germline. Not counted in ClinVar's aggregate classification.